The following is an entry in ClinVar:

ClinVar aggregate classification (germline): Uncertain significance (1 of 4 stars; one submission).

Conditions:
Catecholaminergic polymorphic ventricular tachycardia 1. Also called: VENTRICULAR TACHYCARDIA, CATECHOLAMINERGIC POLYMORPHIC, 1, WITH OR WITHOUT ATRIAL DYSFUNCTION AND/OR DILATED CARDIOMYOPATHY; VENTRICULAR TACHYCARDIA, STRESS-INDUCED POLYMORPHIC 1; RYR2-Related Catecholaminergic Polymorphic Ventricular Tachycardia. Identifiers: Orphanet 3286, MedGen C1631597, MONDO:0011484, OMIM 604772.

Submission:

Labcorp Genetics (formerly Invitae), Labcorp
Classification: Uncertain significance for Catecholaminergic polymorphic ventricular tachycardia 1. Last evaluated: 2019-02-18. Review status: criteria provided, single submitter. Criteria: Invitae Variant Classification Sherloc (09022015). Collection method: clinical testing. Allele origin: germline.
Comment: In summary, the available evidence is currently insufficient to determine the role of this variant in disease. Therefore, it has been classified as a Variant of Uncertain Significance. Algorithms developed to predict the effect of missense changes on protein structure and function are either unavailable or do not agree on the potential impact of this missense change (SIFT: "Deleterious"; PolyPhen-2: "Benign"; Align-GVGD: "Class C0"). This variant has been observed in individuals affected with clinical features of catecholaminergic polymorphic ventricular tachycardia (PMID: 19926015, 29453246, 28237968, Invitae). This variant is not present in population databases (ExAC no frequency). This sequence change replaces methionine with isoleucine at codon 3972 of the RYR2 protein (p.Met3972Ile). The methionine residue is highly conserved and there is a small physicochemical difference between methionine and isoleucine.

Literature cited by the submitters: PubMed 19926015; PubMed 29453246; PubMed 28237968.

NM_001035.3(RYR2):c.11916G>A (p.Met3972Ile)

Gene: RYR2 (ryanodine receptor 2; plus strand). Cytogenetic location: 1q43.
Variant type: single nucleotide variant.
Coding change: c.11916G>A on transcript NM_001035.3 (MANE Select); coding-DNA position 11916, G replaced by A.
Protein change: p.Met3972Ile; replaces methionine 3972 with isoleucine.
Molecular consequence: missense variant.
Genome position (GRCh38, 1-based): chr1:237,781,600, G>A. VCF-style: chr1-237781600-G-A. GRCh37 (hg19) VCF-style: chr1-237944900-G-A.
Other names: short protein forms M3972I.
Identifiers: ClinVar variation 854682 (VCV000854682.11), dbSNP rs1308840171, ClinGen allele CA345410106.